The following is an entry in ClinVar:

ClinVar aggregate classification (germline): Uncertain significance (1 of 4 stars; one submission).

Conditions:
Inborn genetic diseases. Identifiers: MedGen C0950123, MeSH D030342.

Submission:

Ambry Genetics
Classification: Uncertain significance for Inborn genetic diseases. Last evaluated: 2026-04-14. Review status: criteria provided, single submitter. Criteria: Ambry Variant Classification Scheme 2023. Collection method: clinical testing. Allele origin: germline.
Comment: The c.734T>G (p.V245G) alteration is located in exon 1 (coding exon 1) of the CNNM2 gene. This alteration results from a T to G substitution at nucleotide position 734, causing the valine (V) at amino acid position 245 to be replaced by a glycine (G). This variant was not reported in population-based cohorts in the Genome Aggregation Database (gnomAD). This amino acid position is highly conserved in available vertebrate species. This missense variant is located in a region that has a low rate of benign missense variation (Lek, 2016; Firth, 2009). The in silico prediction for this alteration is inconclusive. Based on insufficient or conflicting evidence, the clinical significance of this alteration remains unclear.

NM_017649.5(CNNM2):c.734T>G (p.Val245Gly)

Gene: CNNM2 (cyclin and CBS domain divalent metal cation transport mediator 2; plus strand). Cytogenetic location: 10q24.32.
Variant type: single nucleotide variant.
Coding change: c.734T>G on transcript NM_017649.5 (MANE Select); coding-DNA position 734, T replaced by G.
Protein change: p.Val245Gly; replaces valine 245 with glycine.
Molecular consequence: missense variant.
Genome position (GRCh38, 1-based): chr10:102,919,214, T>G. VCF-style: chr10-102919214-T-G. GRCh37 (hg19) VCF-style: chr10-104678971-T-G.
Other names: c.734T>G, p.Val245Gly (NM_199076.3, NM_199077.3); short protein forms V245G.
Identifiers: ClinVar variation 4869039 (VCV004869039.1).